The following is an entry in ClinVar:

ClinVar aggregate classification (germline): Uncertain significance. Review status: criteria provided, multiple submitters, no conflicts (2 of 4 stars). 2 submissions from 2 submitters: Uncertain significance (2). Last evaluated 2023-08-15.

Conditions:
Catecholaminergic polymorphic ventricular tachycardia (CVPT). Also called: Catecholamine-induced polymorphic ventricular tachycardia. Identifiers: Orphanet 3286, MedGen C5574922, MONDO:0017990.
Catecholaminergic polymorphic ventricular tachycardia 1. Also called: VENTRICULAR TACHYCARDIA, CATECHOLAMINERGIC POLYMORPHIC, 1, WITH OR WITHOUT ATRIAL DYSFUNCTION AND/OR DILATED CARDIOMYOPATHY; RYR2-Related Catecholaminergic Polymorphic Ventricular Tachycardia; VENTRICULAR TACHYCARDIA, STRESS-INDUCED POLYMORPHIC 1. Identifiers: Orphanet 3286, MedGen C1631597, MONDO:0011484, OMIM 604772.

Submissions (2):

All of Us Research Program, National Institutes of Health
Classification: Uncertain significance for Catecholaminergic polymorphic ventricular tachycardia. Last evaluated: 2023-08-15. Review status: criteria provided, single submitter. Criteria: ACMG Guidelines, 2015. Collection method: clinical testing. Allele origin: germline. Inheritance: Autosomal dominant inheritance. Observed: 1 variant allele, 1 heterozygote.
Comment: This study involves interpretation of variants in research participants for the purpose of population health screening. Participant phenotype was not available at the time of variant classification. Additional details can be found in publication PMID: 35346344, PMCID: PMC8962531

Labcorp Genetics (formerly Invitae), Labcorp
Classification: Uncertain significance for Catecholaminergic polymorphic ventricular tachycardia 1. Last evaluated: 2016-10-31. Review status: criteria provided, single submitter. Criteria: Invitae Variant Classification Sherloc (09022015). Collection method: clinical testing. Allele origin: germline.
Comment: This sequence change replaces glycine with glutamic acid at codon 809 of the RYR2 protein (p.Gly809Glu). The glycine residue is highly conserved and there is a moderate physicochemical difference between glycine and glutamic acid. Algorithms developed to predict the effect of missense changes on protein structure and function do not agree on the potential impact of this missense change (SIFT: "Deleterious"; PolyPhen-2: "Benign"; Align-GVGD: "Class C65"). This variant is not present in population databases (ExAC no frequency) and has not been reported in the literature in individuals with a RYR2-related disease. In summary, this variant is a novel missense change with uncertain impact on protein function. It has been classified as a Variant of Uncertain Significance. This variant does not occur within one of the three regions of the RYR2 gene (N-terminal domain, central domain or channel region) where other pathogenic variants have been reported to cluster (PMID: 19926015).

Literature cited by the submitters: PubMed 19926015 (cited by Labcorp Genetics (formerly Invitae), Labcorp).

NM_001035.3(RYR2):c.2426G>A (p.Gly809Glu)

Gene: RYR2 (ryanodine receptor 2; plus strand). Cytogenetic location: 1q43.
Variant type: single nucleotide variant.
Coding change: c.2426G>A on transcript NM_001035.3 (MANE Select); coding-DNA position 2426, G replaced by A.
Protein change: p.Gly809Glu; replaces glycine 809 with glutamic acid.
Molecular consequence: missense variant.
Genome position (GRCh38, 1-based): chr1:237,503,318, G>A. VCF-style: chr1-237503318-G-A. GRCh37 (hg19) VCF-style: chr1-237666618-G-A.
Other names: c.2426G>A, p.Gly809Glu (LRG_402t1); short protein forms G809E.
Identifiers: ClinVar variation 404187 (VCV000404187.11), dbSNP rs1060500140, ClinGen allele CA16609996.